The following is an entry in ClinVar:

ClinVar aggregate classification (germline): Uncertain significance (1 of 4 stars; one submission).

Conditions:
Nephronophthisis. Also called: Juvenile Nephronophthisis. Identifiers: Orphanet 655, MedGen C0687120, MONDO:0019005, HP:0000090.

Allele frequency attached by ClinVar (database versions not stated): gnomAD exomes below 0.00001.
gnomAD v4.1: 3 of 1,613,502 alleles (0.00019%); highest among the groups gnomAD compares: South Asian, 0.0033%; no homozygotes.

Submission:

Labcorp Genetics (formerly Invitae), Labcorp
Classification: Uncertain significance for Nephronophthisis. Last evaluated: 2023-07-10. Review status: criteria provided, single submitter. Criteria: Invitae Variant Classification Sherloc (09022015). Collection method: clinical testing. Allele origin: germline.
Comment: ClinVar contains an entry for this variant (Variation ID: 1038188). In summary, the available evidence is currently insufficient to determine the role of this variant in disease. Therefore, it has been classified as a Variant of Uncertain Significance. Advanced modeling of protein sequence and biophysical properties (such as structural, functional, and spatial information, amino acid conservation, physicochemical variation, residue mobility, and thermodynamic stability) performed at Invitae indicates that this missense variant is not expected to disrupt NPHP4 protein function. This variant has not been reported in the literature in individuals affected with NPHP4-related conditions. This variant is present in population databases (no rsID available, gnomAD 0.003%). This sequence change replaces proline, which is neutral and non-polar, with threonine, which is neutral and polar, at codon 458 of the NPHP4 protein (p.Pro458Thr).

NM_015102.5(NPHP4):c.1372C>A (p.Pro458Thr)

Gene: NPHP4 (nephrocystin 4; minus strand). Cytogenetic location: 1p36.31.
Variant type: single nucleotide variant.
Coding change: c.1372C>A on transcript NM_015102.5 (MANE Select); coding-DNA position 1372, C replaced by A.
Protein change: p.Pro458Thr; replaces proline 458 with threonine.
Molecular consequence: missense variant. On other transcripts: non-coding transcript variant (1).
Genome position (GRCh38, 1-based): chr1:5,927,718, G>T on the plus strand (C>A on the coding strand, the complement: NPHP4 is on the minus strand). VCF-style: chr1-5927718-G-T. GRCh37 (hg19) VCF-style: chr1-5987778-G-T.
Other names: c.6C>A, p.His2Gln (NM_001291593.2, NM_001291594.2); short protein forms H2Q, P458T.
Identifiers: ClinVar variation 1038188 (VCV001038188.8), dbSNP rs1488701326, ClinGen allele CA338060058.
Genomic context (GRCh38, chr1:5,927,718, plus strand): 5'-ACGTGGGTGGTTTCCTGGAAGGCCGCCGCTCCACTTTGGGGCCACTGACAGGCTCCGTGG[G>T]TGCATCCAGGTGTTCTTCTGAGCCCAGCGAGAACTGGAACCGGAGTGTACCCGACTCCAC-3'
Protein context (NP_055917.1, residues 448-468): SLGSEEHLDA[Pro458Thr]TEPVSGPKVE